The following is an entry in ClinVar:

ClinVar aggregate classification (germline): Uncertain significance (1 of 4 stars; one submission).

Conditions:
Autosomal recessive limb-girdle muscular dystrophy type 2D (LGMDR3). Also called: ADHALINOPATHY, PRIMARY; MUSCULAR DYSTROPHY, LIMB-GIRDLE, AUTOSOMAL RECESSIVE 3; DUCHENNE-LIKE AUTOSOMAL RECESSIVE MUSCULAR DYSTROPHY, TYPE 2. Identifiers: Orphanet 62, MedGen C2936332, MONDO:0011968, OMIM 608099. Disease mechanism: Affects gamma-sarcoglycan and also disrupts the integrity of the entire sarcoglycan complex..

Submission:

Labcorp Genetics (formerly Invitae), Labcorp
Classification: Uncertain significance for Autosomal recessive limb-girdle muscular dystrophy type 2D. Last evaluated: 2021-03-23. Review status: criteria provided, single submitter. Criteria: Invitae Variant Classification Sherloc (09022015). Collection method: clinical testing. Allele origin: germline.
Comment: In summary, the available evidence is currently insufficient to determine the role of this variant in disease. Therefore, it has been classified as a Variant of Uncertain Significance. Advanced modeling of protein sequence and biophysical properties (such as structural, functional, and spatial information, amino acid conservation, physicochemical variation, residue mobility, and thermodynamic stability) performed at Invitae indicates that this missense variant is not expected to disrupt SGCA protein function. This variant has not been reported in the literature in individuals with SGCA-related conditions. This variant is not present in population databases (ExAC no frequency). This sequence change replaces serine with arginine at codon 155 of the SGCA protein (p.Ser155Arg). The serine residue is weakly conserved and there is a moderate physicochemical difference between serine and arginine.

NM_000023.4(SGCA):c.465C>G (p.Ser155Arg)

Gene: SGCA (sarcoglycan alpha; plus strand). Cytogenetic location: 17q21.33.
Variant type: single nucleotide variant.
Coding change: c.465C>G on transcript NM_000023.4 (MANE Select); coding-DNA position 465, C replaced by G.
Protein change: p.Ser155Arg; replaces serine 155 with arginine.
Molecular consequence: missense variant. On other transcripts: non-coding transcript variant (1).
Genome position (GRCh38, 1-based): chr17:50,168,453, C>G. VCF-style: chr17-50168453-C-G. GRCh37 (hg19) VCF-style: chr17-48245814-C-G.
Other names: c.465C>G, p.Ser155Arg (NM_001135697.3); short protein forms S155R.
Identifiers: ClinVar variation 1430025 (VCV001430025.8), dbSNP rs2144496691, ClinGen allele CA400179931.